The following is an entry in ClinVar:

NM_004092.4(ECHS1):c.516T>G (p.Gly172=)

Gene: ECHS1 (enoyl-CoA hydratase, short chain 1; minus strand). Cytogenetic location: 10q26.3.
Variant type: single nucleotide variant.
Coding change: c.516T>G on transcript NM_004092.4 (MANE Select); coding-DNA position 516, T replaced by G.
Protein change: p.Gly172=; no amino-acid change (glycine 172 retained).
Molecular consequence: synonymous variant.
Genome position (GRCh38, 1-based): chr10:133,366,992, A>C on the plus strand (T>G on the coding strand, the complement: ECHS1 is on the minus strand). VCF-style: chr10-133366992-A-C. GRCh37 (hg19) VCF-style: chr10-135180496-A-C.
Identifiers: ClinVar variation 3680972 (VCV003680972.2).

ClinVar aggregate classification (germline): Uncertain significance (1 of 4 stars; one submission).

gnomAD v4.1: 2 of 1,609,364 alleles (0.00012%); highest among the groups gnomAD compares: East Asian, 0.0045%; no homozygotes.

Submission:

Labcorp Genetics (formerly Invitae), Labcorp
Classification: Uncertain significance. Last evaluated: 2024-12-07. Review status: criteria provided, single submitter. Criteria: Invitae Variant Classification Sherloc (09022015). Collection method: clinical testing. Allele origin: germline.
Comment: This sequence change affects codon 172 of the ECHS1 mRNA. It is a 'silent' change, meaning that it does not change the encoded amino acid sequence of the ECHS1 protein. This variant is present in population databases (rs770786393, gnomAD 0.01%). This variant has not been reported in the literature in individuals affected with ECHS1-related conditions. Algorithms developed to predict the effect of sequence changes on RNA splicing suggest that this variant may create or strengthen a splice site. In summary, the available evidence is currently insufficient to determine the role of this variant in disease. Therefore, it has been classified as a Variant of Uncertain Significance.